The following is an entry in ClinVar:

ClinVar aggregate classification (germline): Pathogenic (1 of 4 stars; one submission).

Submission:

Labcorp Genetics (formerly Invitae), Labcorp
Classification: Pathogenic. Last evaluated: 2023-04-14. Review status: criteria provided, single submitter. Criteria: Invitae Variant Classification Sherloc (09022015). Collection method: clinical testing. Allele origin: unknown.
Comment: For these reasons, this variant has been classified as Pathogenic. This variant disrupts a region of the FECH protein in which other variant(s) (p.Asp274Asn) have been determined to be pathogenic (PMID: 16385445, 18787536). This suggests that this is a clinically significant region of the protein, and that variants that disrupt it are likely to be disease-causing. A similar copy number variant has been observed in individual(s) with FECH-related conditions (PMID: 17597821). This variant is a gross deletion of the genomic region encompassing exon(s) 7-11 of the FECH gene, which includes the termination codon. This deletion extends beyond the assayed region for this gene and therefore may encompass additional genes. While this deletion is not anticipated to lead to nonsense mediated decay, it is expected to alter mRNA translation or result in a truncated protein product.

Literature cited by the submitters: PubMed 16385445; PubMed 18787536; PubMed 17597821.

NC_000018.9:g.(?_55217944)_(55226495_?)del

Gene: FECH (ferrochelatase; minus strand). Cytogenetic location: 18q21.31.
Variant type: Deletion.
Identifiers: ClinVar variation 3242785 (VCV003242785.1).